The following is an entry in ClinVar:

NM_152577.4(CBLL2):c.929G>A (p.Arg310His)

Genes: CBLL2 (Cbl proto-oncogene like 2; plus strand), PTCHD1-AS (PTCHD1 and PHEX antisense RNA; minus strand). Cytogenetic location: Xp22.11.
Variant type: single nucleotide variant.
Coding change: c.929G>A on transcript NM_152577.4 (MANE Select); coding-DNA position 929, G replaced by A.
Protein change: p.Arg310His; replaces arginine 310 with histidine.
Molecular consequence: missense variant.
Genome position (GRCh38, 1-based): chrX:22,273,920, G>A. VCF-style: chrX-22273920-G-A. GRCh37 (hg19) VCF-style: chrX-22292037-G-A.
Other names: c.929G>A (NM_152577.3); short protein forms R310H.
Identifiers: ClinVar variation 2660160 (VCV002660160.25), dbSNP rs746442308, ClinGen allele CA10368620.

ClinVar aggregate classification (germline): Conflicting classifications of pathogenicity. Review status: criteria provided, conflicting classifications (1 of 4 stars). 2 submissions from 2 submitters: Uncertain significance (1); Likely benign (1). Last evaluated 2023-02-01.

Allele frequency attached by ClinVar (database versions not stated): gnomAD exomes 0.00002; TOPMed 0.00002; ExAC 0.00003; gnomAD 0.00007.
gnomAD v4.1: 38 of 1,208,693 alleles (0.0031%); highest among the groups gnomAD compares: African/African-American, 0.014%; no homozygotes.

Submissions (2):

CeGaT Center for Human Genetics Tuebingen
Classification: Likely benign. Last evaluated: 2023-02-01. Review status: criteria provided, single submitter. Criteria: CeGaT Center For Human Genetics Tuebingen Variant Classification Criteria Version 2. Collection method: clinical testing. Allele origin: germline. Affected: yes. Observed: 1 variant allele.
Comment: CBLL2: BP4, BS2

Ambry Genetics
Classification: Uncertain significance. Last evaluated: 2021-07-21. Review status: criteria provided, single submitter. Criteria: Ambry Variant Classification Scheme 2023. Collection method: clinical testing. Allele origin: germline.